The following is an entry in ClinVar:

NM_000094.4(COL7A1):c.*216G>C

Gene: COL7A1 (collagen type VII alpha 1 chain; minus strand). Cytogenetic location: 3p21.31.
Variant type: single nucleotide variant.
Coding change: c.*216G>C on transcript NM_000094.4 (MANE Select); 216 bases downstream of the stop codon, G replaced by C.
Molecular consequence: 3 prime UTR variant.
Genome position (GRCh38, 1-based): chr3:48,564,190, C>G on the plus strand (G>C on the coding strand, the complement: COL7A1 is on the minus strand). VCF-style: chr3-48564190-C-G. GRCh37 (hg19) VCF-style: chr3-48601623-C-G.
Identifiers: ClinVar variation 903070 (VCV000903070.6), dbSNP rs1803298, ClinGen allele CA11551007.

ClinVar aggregate classification (germline): Benign/Likely benign. Review status: criteria provided, multiple submitters, no conflicts (2 of 4 stars). 3 submissions from 3 submitters: Benign (2); Likely benign (1). Last evaluated 2021-06-03.

Conditions:
Epidermolysis bullosa dystrophica. Also called: Dystrophic epidermolysis bullosa; Dystrophic epidermolysis bullosa, Hallopeau-Siemens type (formerly). Identifiers: Orphanet 303, MedGen C0079294, MONDO:0006543.

Allele frequency attached by ClinVar (database versions not stated): 1000 Genomes Project 30x 0.00344; 1000 Genomes Project 0.00399; TOPMed 0.00510.
gnomAD v4.1: 4,610 of 645,270 alleles (0.71%); highest among the groups gnomAD compares: Non-Finnish European, 0.97%; 31 homozygotes.

Submissions (3):

GeneDx
Classification: Likely benign. Last evaluated: 2021-06-03. Review status: criteria provided, single submitter. Criteria: GeneDx Variant Classification Process June 2021. Collection method: clinical testing. Allele origin: germline. Affected: yes.
Comment: See Variant Classification Assertion Criteria.

Illumina Laboratory Services, Illumina
Classification: Benign for Dystrophic epidermolysis bullosa. Last evaluated: 2018-01-12. Review status: criteria provided, single submitter. Criteria: ICSL Variant Classification Criteria 13 December 2019. Collection method: clinical testing. Allele origin: germline.
Comment: This variant was observed in the ICSL laboratory as part of a predisposition screen in an ostensibly healthy population. It had not been previously curated by ICSL or reported in the Human Gene Mutation Database (HGMD: prior to June 1st, 2018), and was therefore a candidate for classification through an automated scoring system. Utilizing variant allele frequency, disease prevalence and penetrance estimates, and inheritance mode, an automated score was calculated to assess if this variant is too frequent to cause the disease. Based on the score and internal cut-off values, a variant classified as benign is not then subjected to further curation. The score for this variant resulted in a classification of benign for this disease.

Breakthrough Genomics
Classification: Benign. Review status: criteria provided, single submitter. Criteria: ACMG Guidelines, 2015. Collection method: not provided. Allele origin: germline. Inheritance: Autosomal recessive inheritance. Affected: yes.